The following is an entry in ClinVar:

NM_005654.6(NR2F1):c.183C>T (p.Pro61=)

Genes: NR2F1 (nuclear receptor subfamily 2 group F member 1; plus strand), NR2F1-AS1 (NR2F1 regulatory antisense RNA 1; minus strand). Cytogenetic location: 5q15.
Variant type: single nucleotide variant.
Coding change: c.183C>T on transcript NM_005654.6 (MANE Select); coding-DNA position 183, C replaced by T.
Protein change: p.Pro61=; no amino-acid change (proline 61 retained).
Molecular consequence: synonymous variant.
Genome position (GRCh38, 1-based): chr5:93,585,206, C>T. VCF-style: chr5-93585206-C-T. GRCh37 (hg19) VCF-style: chr5-92920912-C-T.
Identifiers: ClinVar variation 373470 (VCV000373470.12), dbSNP rs1054029785, ClinGen allele CA16042631.

ClinVar aggregate classification (germline): Likely benign. Review status: criteria provided, multiple submitters, no conflicts (2 of 4 stars). 4 submissions from 3 submitters: Likely benign (3). 1 of the submissions does not count toward it. Last evaluated 2025-08-18.

Allele frequency attached by ClinVar (database versions not stated): gnomAD exomes 0.00001; TOPMed 0.00002; gnomAD 0.00003.
gnomAD v4.1: 51 of 1,540,314 alleles (0.0033%); highest among the groups gnomAD compares: Non-Finnish European, 0.0042%; no homozygotes.

Submissions (4):

Labcorp Genetics (formerly Invitae), Labcorp
Classification: Likely benign. Last evaluated: 2025-08-18. Review status: criteria provided, single submitter. Criteria: Invitae Variant Classification Sherloc (09022015). Collection method: clinical testing. Allele origin: germline.

Blueprint Genetics
Classification: Likely benign. Last evaluated: 2024-02-07. Review status: criteria provided, single submitter. Criteria: ACMG Guidelines, 2015. Collection method: clinical testing. Allele origin: germline.

GeneDx
Classification: Likely benign. Last evaluated: 2019-10-04. Review status: criteria provided, single submitter. Criteria: GeneDx Variant Classification Process June 2021. Collection method: clinical testing. Allele origin: germline. Affected: yes.

GeneDx
Classification: Likely benign. Last evaluated: 2016-11-30. Review status: flagged submission. Criteria: GeneDx Variant Classification (06012015). Collection method: clinical testing. Allele origin: germline. Affected: yes. Not counted in ClinVar's aggregate classification.
Comment: This variant is considered likely benign or benign based on one or more of the following criteria: it is a conservative change, it occurs at a poorly conserved position in the protein, it is predicted to be benign by multiple in silico algorithms, and/or has population frequency not consistent with disease.
ClinVar note: Reason: This record appears to be redundant with a more recent record from the same submitter.
ClinVar note: Notes: SCV000492062 appears to be redundant with SCV001772971.